The following is an entry in ClinVar:

ClinVar aggregate classification (germline): Uncertain significance (1 of 4 stars; one submission).

Conditions:
Hereditary cancer-predisposing syndrome. Also called: Neoplastic Syndromes, Hereditary; Tumor predisposition; Hereditary Cancer Syndrome; Hereditary neoplastic syndrome. Identifiers: Orphanet 140162, MedGen C0027672, MeSH D009386, MONDO:0015356.

Submission:

Ambry Genetics
Classification: Uncertain significance for Hereditary cancer-predisposing syndrome. Last evaluated: 2026-03-25. Review status: criteria provided, single submitter. Criteria: Ambry Variant Classification Scheme 2023. Collection method: clinical testing. Allele origin: germline.
Comment: The p.R115C variant (also known as c.343C>T), located in coding exon 1 of the MEN1 gene, results from a C to T substitution at nucleotide position 343. The arginine at codon 115 is replaced by cysteine, an amino acid with highly dissimilar properties. This amino acid position is highly conserved in available vertebrate species. In addition, this alteration is predicted to be deleterious by in silico analysis. Based on the available evidence, the clinical significance of this variant remains unclear.

NM_001370259.2(MEN1):c.343C>T (p.Arg115Cys)

Gene: MEN1 (menin 1; minus strand). Cytogenetic location: 11q13.1.
Variant type: single nucleotide variant.
Coding change: c.343C>T on transcript NM_001370259.2 (MANE Select); coding-DNA position 343, C replaced by T.
Protein change: p.Arg115Cys; replaces arginine 115 with cysteine.
Molecular consequence: missense variant. On other transcripts: non-coding transcript variant (4).
Genome position (GRCh38, 1-based): chr11:64,809,767, G>A on the plus strand (C>T on the coding strand, the complement: MEN1 is on the minus strand). VCF-style: chr11-64809767-G-A. GRCh37 (hg19) VCF-style: chr11-64577239-G-A.
Other names: c.343C>T, p.Arg115Cys (NM_000244.4, NM_001370251.2, NM_001370260.2 and 20 more transcripts); short protein forms R115C.
Identifiers: ClinVar variation 3394951 (VCV003394951.2).